The following is an entry in ClinVar:

NM_001114753.3(ENG):c.360+1G>A

Gene: ENG (endoglin; minus strand). Cytogenetic location: 9q34.11.
Variant type: single nucleotide variant.
Coding change: c.360+1G>A on transcript NM_001114753.3 (MANE Select); the canonical splice donor site of the intron after coding-DNA position 360, G replaced by A.
Molecular consequence: splice donor variant.
Genome position (GRCh38, 1-based): chr9:127,829,686, C>T on the plus strand (G>A on the coding strand, the complement: ENG is on the minus strand). VCF-style: chr9-127829686-C-T. GRCh37 (hg19) VCF-style: chr9-130591965-C-T.
Other names: IVS3DS, G-A, +1; c.360+1G>A (NM_001114753.1, NM_000118.4, NM_001406715.1 and 1 more transcripts); c.-187+1G>A (NM_001278138.2).
Identifiers: ClinVar variation 265370 (VCV000265370.33), dbSNP rs886039505, ClinGen allele CA10588467.

ClinVar aggregate classification (germline): Pathogenic. Review status: criteria provided, multiple submitters, no conflicts (2 of 4 stars). 11 submissions from 11 submitters: Pathogenic (9). 2 of the submissions do not count toward it. Last evaluated 2025-11-20.

Conditions:
Cardiovascular phenotype. Identifiers: MedGen CN230736.
Hereditary hemorrhagic telangiectasia (HHT). Also called: ORW DISEASE; Osler Weber Rendu syndrome; OSLER-RENDU-WEBER DISEASE; Osler hemorrhagic telangiectasia syndrome. Identifiers: Orphanet 774, MedGen C0039445, MONDO:0019180. Disease mechanism: loss of function.
Telangiectasia, hereditary hemorrhagic, type 1 (HHT1). Also called: Osler Weber Rendu syndrome type 1; ENG-Related Hereditary Hemorrhagic Telangiectasia. Identifiers: Orphanet 774, MedGen C4551861, MONDO:0008535, OMIM 187300. Disease mechanism: loss of function.

Submissions (11):

Labcorp Genetics (formerly Invitae), Labcorp
Classification: Pathogenic for Hereditary hemorrhagic telangiectasia. Last evaluated: 2025-11-20. Review status: criteria provided, single submitter. Criteria: Invitae Variant Classification Sherloc (09022015). Collection method: clinical testing. Allele origin: germline.
Comment: This sequence change affects a donor splice site in intron 3 of the ENG gene. It is expected to disrupt RNA splicing. Variants that disrupt the donor or acceptor splice site typically lead to a loss of protein function (PMID: 16199547), and loss-of-function variants in ENG are known to be pathogenic (PMID: 15879500). This variant is not present in population databases (gnomAD no frequency). Disruption of this splice site has been observed in individuals with hereditary hemorrhagic telangiectasia (PMID: 9366572, 15880681, 19508727, 21158752, 21967607, 22991266, 25970827). It has also been observed to segregate with disease in related individuals. ClinVar contains an entry for this variant (Variation ID: 265370). Algorithms developed to predict the effect of variants on gene product structure and function are not available or were not evaluated for this variant. Experimental studies have shown that disruption of this splice site affects ENG function (PMID: 9366572). Algorithms developed to predict the effect of sequence changes on RNA splicing suggest that this variant may disrupt the consensus splice site. For these reasons, this variant has been classified as Pathogenic.

Mayo Clinic Laboratories, Mayo Clinic
Classification: Pathogenic. Last evaluated: 2024-05-10. Review status: criteria provided, single submitter. Criteria: ACMG Guidelines, 2015. Collection method: clinical testing. Allele origin: germline.
Comment: PP1, PM2, PS2, PS3_moderate, PS4_moderate, PVS1

Ambry Genetics
Classification: Pathogenic for Cardiovascular phenotype. Last evaluated: 2024-02-29. Review status: criteria provided, single submitter. Criteria: Ambry Variant Classification Scheme 2023. Collection method: clinical testing. Allele origin: germline.
Comment: The c.360+1G>A intronic pathogenic mutation results from a G to A substitution one nucleotide after coding exon 3 of the ENG gene. Alterations that disrupt the canonical splice site are expected to result in aberrant splicing. In silico splice site analysis predicts that this alteration will weaken the native splice donor site. The resulting transcript is predicted to be in-frame and is not expected to trigger nonsense-mediated mRNAdecay. The exact functional effect of the missing amino acids is unknown; however, the impacted region is critical for protein function (Ambry internal data). This mutation has been identified in multiple individuals and families with hereditary hemorrhagic telangiectasia (HHT) and has been reported to result in in-frame skipping of exon 3 (Pece N et al. J. Clin. Invest., 1997 Nov;100:2568-79; Letteboer TG et al. Hum. Genet., 2005 Jan;116:8-16; Schulte C et al. Hum. Mutat., 2005 Jun;25:595; Bayrak-Toydemir P et al. Am. J. Med. Genet. A, 2006 Mar;140:463-70; Bossler AD et al. Hum. Mutat., 2006 Jul;27:667-75; Olivieri C et al. J. Hum. Genet., 2007 Sep;52:820-9; Kim MJ et al. BMC Med. Genet., 2011 Oct;12:130; Heimdal K et al. Clin. Genet., 2016 Feb;89:182-6). In one family, this mutation was identified in one individual with epistaxis and pulmonary arteriovenous malformations (PAVMs) and in a second individual with epistaxis, PAVMs, telangiectasias, and hepatic involvement; mature ENG levels in activated monocytes or umbilical vein endothelial cells from these two individuals was decreased compared to wild type (Cymerman U et al. Hum. Mutat., 2003 May;21:482-92). This variant is considered to be rare based on population cohorts in the Genome Aggregation Database (gnomAD). This nucleotide position is highly conserved in available vertebrate species. Based on the supporting evidence, this alteration is interpreted as a disease-causing mutation.

ARUP Laboratories, Molecular Genetics and Genomics, ARUP Laboratories
Classification: Pathogenic for Telangiectasia, hereditary hemorrhagic, type 1. Last evaluated: 2024-02-20. Review status: criteria provided, single submitter. Criteria: ARUP Molecular Germline Variant Investigation Process 2024. Collection method: clinical testing. Allele origin: germline.
Comment: The ENG c.360+1G>A variant (rs886039505) is reported in the literature in multiple individuals and families with hereditary hemorrhagic telangiectasia (ENG HHT database, Heimdal 2016, Kim 2011, McDonald 2011, Nishida 2012, Pece 1997, Sadick 2009, Schulte 2005). This variant is reported in ClinVar (Variation ID: 265370) and is absent from the Genome Aggregation Database, indicating it is not a common polymorphism. Functional analysis shows that this variant disrupts the canonical splice donor site in the 5â€™ end of intron 3 and leads to skipping of exon 3 (Pece 1997). Based on the above information, this variant is considered pathogenic. References: ENG HHT database: Heimdal K et al. Mutation analysis in Norwegian families with hereditary hemorrhagic telangiectasia: founder mutations in ACVRL1. Clin Genet. 2016 Feb;89(2):182-6. PMID: 25970827. Kim M et al. Clinical and genetic analyses of three Korean families with hereditary hemorrhagic telangiectasia. BMC Med Genet. 2011; 12: 130. PMID: 21967607. McDonald J et al. Molecular diagnosis in hereditary hemorrhagic telangiectasia: findings in a series tested simultaneously by sequencing and deletion/duplication analysis. Clin Genet. 2011 Apr;79(4):335-44. PMID: 21158752. Nishida T et al. Brain Arteriovenous Malformations associated with Hereditary Hemorrhagic Telangiectasia: Gene-Phenotype Correlations. Am J Med Genet A. 2012 Nov; 0(11): 2829â€“2834. PMID: 22991266. Pece N et al. Mutant endoglin in hereditary hemorrhagic telangiectasia type 1 is transiently expressed intracellularly and is not a dominant negative. J Clin Invest. 1997 Nov 15;100(10):2568-79. PMID: 9366572. Sadick H et al. Mutation analysis of "Endoglin" and "Activin receptor-like kinase" genes in German patients with hereditary hemorrhagic telangiectasia and the value of rapid genotyping using an allele-specific PCR-technique. BMC Med Genet. 2009; 10: 53. PMID: 19508727. Schulte C et al. High frequency of ENG and ALK1/ACVRL1 mutations in German HHT patients. Hum Mutat. 2005 Jun;25(6):595. PMID: 15880681.

Impact Genetics, Dynacare/LabCorp
Classification: Pathogenic for Telangiectasia, hereditary hemorrhagic, type 1. Last evaluated: 2023-05-18. Review status: criteria provided, single submitter. Criteria: DeMille et al. (Hum Mutat. 2024). Collection method: clinical testing. Allele origin: germline.
Comment: PVS1, PM2_supporting, PS3, PP3

Molecular Genetics, Royal Melbourne Hospital
Classification: Pathogenic for Hereditary hemorrhagic telangiectasia. Last evaluated: 2023-03-30. Review status: criteria provided, single submitter. Criteria: ACMG Guidelines, 2015. Collection method: clinical testing. Allele origin: germline. Affected: yes.
Comment: This sequence change in ENG occurs within the canonical splice donor site (+ 1) of intron 3. It is predicted to cause skipping of biologically relevant-exon 3/15, resulting in an in-frame deletion (removes amino acids 74-120) that escapes nonsense-mediated decay and removes a critical region of the protein. This prediction is confirmed by RT-PCR of cDNA from patient cells and demonstrated that the variant impacts splicing by causing exon 3 skipping and leading to loss of endoglin expression on the cell surface (PMID: 13043988). This variant is absent from gnomAD v2.1 and v3.1. This variant has been reported in multiple families meeting a clinical diagnosis of hereditary haemorrhagic telangiectasia (HHT), and segregates with disease in affected family members (PMID: 9366572, 12673790, 21967607). This variant has been identified as a de novo occurrence with confirmed parental relationships in one individual with a clinical diagnosis of HHT (PMID: 12673790). Based on the classification scheme RMH Modified ACMG Guidelines v1.5.1, this variant is classified as PATHOGENIC. Following criteria are met: PVS1_Strong, PS2, PP1_Strong, PM2_Supporting.

GeneDx
Classification: Pathogenic. Last evaluated: 2022-04-14. Review status: criteria provided, single submitter. Criteria: GeneDx Variant Classification Process June 2021. Collection method: clinical testing. Allele origin: germline. Affected: yes.
Comment: Reported in multiple unrelated patients with HHT across various ethnic backgrounds (Pece et al., 1997; Cymerman et al., 2003; Letteboer et al., 2005; Schulte et al., 2005; Bayrak-Toydemir et al., 2006; Bossler et al., 2006; Olivieri et al., 2007; Kim et al., 2011; Nishida et al., 2012); Not observed at significant frequency in large population cohorts (gnomAD); Canonical splice site variant expected to result in aberrant splicing; Functional studies demonstrate that c.360+1 G>A leads to an in-frame skip of exon 3 and reduced cell surface endoglin protein, which the authors propose as transient intracellular expression likely due to protein degradation (Pece et al., 1997); This variant is associated with the following publications: (PMID: 23801935, 34872578, 25525159, 15879500, 15517393, 23805858, 16470787, 15880681, 16752392, 17786384, 12673790, 10625079, 15266205, 19508727, 31589614, 34530633, 31455059, 32300199, 33677851, 31400083, 30685840, 33919892, 34501220, 21158752, 25970827, 22991266, 16754821, 21967607, 9366572)

NIHR Bioresource Rare Diseases, University of Cambridge
Classification: Pathogenic for Telangiectasia, hereditary hemorrhagic, type 1. Last evaluated: 2018-01-01. Review status: criteria provided, single submitter. Criteria: ACMG Guidelines, 2015. Collection method: research. Allele origin: unknown. Affected: yes. Observed: 2 variant alleles.
Comment: PVS1+PM2+PP4

Eurofins Ntd Llc (ga)
Classification: Pathogenic. Last evaluated: 2016-08-11. Review status: criteria provided, single submitter. Criteria: EGL Classification Definitions 2015. Collection method: clinical testing. Allele origin: germline. Observed: 1 variant allele, 1 heterozygote.

OMIM
Classification: Pathogenic for HEREDITARY HEMORRHAGIC TELANGIECTASIA 1. Last evaluated: 1997-11-15. Review status: no assertion criteria provided. Collection method: literature only. Allele origin: germline. Not counted in ClinVar's aggregate classification.

Seattle Children's Hospital Molecular Genetics Laboratory, Seattle Children's Hospital
Classification: Pathogenic for Telangiectasia, hereditary hemorrhagic, type 1. Review status: no assertion criteria provided. Collection method: clinical testing. Allele origin: germline. Affected: yes. Not counted in ClinVar's aggregate classification.

Literature cited by the submitters: PubMed 16199547 (cited by Labcorp Genetics (formerly Invitae), Labcorp and Impact Genetics, Dynacare/LabCorp); PubMed 15879500 (cited by Labcorp Genetics (formerly Invitae), Labcorp and Impact Genetics, Dynacare/LabCorp); PubMed 9366572 (cited by 6 submitters); PubMed 15880681 (cited by 4 submitters); PubMed 19508727 (cited by Labcorp Genetics (formerly Invitae), Labcorp and Impact Genetics, Dynacare/LabCorp); PubMed 21158752 (cited by Labcorp Genetics (formerly Invitae), Labcorp and Impact Genetics, Dynacare/LabCorp); PubMed 21967607 (cited by 5 submitters); PubMed 22991266 (cited by 4 submitters); PubMed 25970827 (cited by 3 submitters); PubMed 12673790 (cited by 3 submitters); PubMed 15517393 (cited by Mayo Clinic Laboratories, Mayo Clinic and Ambry Genetics); PubMed 16470787 (cited by Mayo Clinic Laboratories, Mayo Clinic and Ambry Genetics); PubMed 17786384 (cited by Mayo Clinic Laboratories, Mayo Clinic and Ambry Genetics); PubMed 32300199 (cited by Mayo Clinic Laboratories, Mayo Clinic); PubMed 34530633 (cited by Mayo Clinic Laboratories, Mayo Clinic); PubMed 15266205 (cited by Ambry Genetics); PubMed 16752392 (cited by Ambry Genetics); PubMed 13043988 (cited by Molecular Genetics, Royal Melbourne Hospital); PubMed 32573726 (cited by NIHR Bioresource Rare Diseases, University of Cambridge).